The following is an entry in ClinVar:

NM_021102.4(SPINT2):c.413T>C (p.Val138Ala)

Gene: SPINT2 (serine peptidase inhibitor, Kunitz type 2; plus strand). Cytogenetic location: 19q13.2.
Variant type: single nucleotide variant.
Coding change: c.413T>C on transcript NM_021102.4 (MANE Select); coding-DNA position 413, T replaced by C.
Protein change: p.Val138Ala; replaces valine 138 with alanine.
Molecular consequence: missense variant.
Genome position (GRCh38, 1-based): chr19:38,290,140, T>C. VCF-style: chr19-38290140-T-C. GRCh37 (hg19) VCF-style: chr19-38780780-T-C.
Other names: c.242T>C, p.Val81Ala (NM_001166103.2); short protein forms V138A, V81A.
Identifiers: ClinVar variation 1514538 (VCV001514538.6), dbSNP rs2146279781, ClinGen allele CA405633392.
Genomic context (GRCh38, chr19:38,290,140, plus strand): 5'-CCCTACTAATTTGTATTCCCTGGGCTGTCTTACTCCTAGAATACTGCACCGCCAACGCAG[T>C]CACTGGGCCTTGCCGTGCATCCTTCCCACGCTGGTACTTTGACGTGGAGAGGAACTCCTG-3'
Protein context (NP_066925.1, residues 128-148): NYEEYCTANA[Val138Ala]TGPCRASFPR

ClinVar aggregate classification (germline): Uncertain significance (1 of 4 stars; one submission).

Submission:

Labcorp Genetics (formerly Invitae), Labcorp
Classification: Uncertain significance. Last evaluated: 2021-10-29. Review status: criteria provided, single submitter. Criteria: Invitae Variant Classification Sherloc (09022015). Collection method: clinical testing. Allele origin: germline.
Comment: In summary, the available evidence is currently insufficient to determine the role of this variant in disease. Therefore, it has been classified as a Variant of Uncertain Significance. Algorithms developed to predict the effect of missense changes on protein structure and function are either unavailable or do not agree on the potential impact of this missense change (SIFT: "Deleterious"; PolyPhen-2: "Benign"; Align-GVGD: "Class C55"). This variant has not been reported in the literature in individuals affected with SPINT2-related conditions. This variant is not present in population databases (gnomAD no frequency). This sequence change replaces valine, which is neutral and non-polar, with alanine, which is neutral and non-polar, at codon 138 of the SPINT2 protein (p.Val138Ala).